The following is an entry in ClinVar:

ClinVar aggregate classification (germline): Uncertain significance. Review status: criteria provided, multiple submitters, no conflicts (2 of 4 stars). 2 submissions from 2 submitters: Uncertain significance (2). Last evaluated 2025-06-17.

Submissions (2):

Greenwood Genetic Center Diagnostic Laboratories, Greenwood Genetic Center
Classification: Uncertain significance. Last evaluated: 2025-06-17. Review status: criteria provided, single submitter. Criteria: ACMG Guidelines, 2015. Collection method: clinical testing. Allele origin: germline. Affected: yes.
Comment: PM2, BP4

GeneDx
Classification: Uncertain significance. Last evaluated: 2022-02-16. Review status: criteria provided, single submitter. Criteria: GeneDx Variant Classification Process June 2021. Collection method: clinical testing. Allele origin: germline. Affected: yes.
Comment: Not observed at significant frequency in large population cohorts (gnomAD); In silico analysis supports that this missense variant does not alter protein structure/function; Has not been previously published as pathogenic or benign to our knowledge

NM_015015.3(KDM4B):c.26A>G (p.Gln9Arg)

Gene: KDM4B (lysine demethylase 4B; plus strand). Cytogenetic location: 19p13.3.
Variant type: single nucleotide variant.
Coding change: c.26A>G on transcript NM_015015.3 (MANE Select); coding-DNA position 26, A replaced by G.
Protein change: p.Gln9Arg; replaces glutamine 9 with arginine.
Molecular consequence: missense variant.
Genome position (GRCh38, 1-based): chr19:5,032,916, A>G. VCF-style: chr19-5032916-A-G. GRCh37 (hg19) VCF-style: chr19-5032927-A-G.
Other names: c.26A>G, p.Gln9Arg (NM_001370093.1, NM_001370094.1); short protein forms Q9R.
Identifiers: ClinVar variation 1704144 (VCV001704144.3), dbSNP rs750066645, ClinGen allele CA403494186.
Genomic context (GRCh38, chr19:5,032,916, plus strand): 5'-TCCTCCACAGGTGTGCTTCCCGCACAGCTGCAGCCATGGGGTCTGAGGACCACGGCGCCC[A>G]GAACCCCAGCTGTAAAATCATGACGTTTCGCCCAACCATGGAAGAATTTAAAGACTTCAA-3'
Protein context (NP_055830.1, residues 1-19): MGSEDHGA[Gln9Arg]NPSCKIMTFR